The following is an entry in ClinVar:

ClinVar aggregate classification (germline): Pathogenic (1 of 4 stars; one submission).

Conditions:
Ehlers-Danlos syndrome, classic type, 1 (EDSCL1). Also called: EHLERS-DANLOS SYNDROME, GRAVIS TYPE; EHLERS-DANLOS SYNDROME, SEVERE CLASSIC TYPE; EDS I; Ehlers-Danlos Syndrome, Classic Type, COL5A1-Related; Ehlers-Danlos syndrome, type 1. Identifiers: MedGen C0268335, MONDO:0019567, OMIM 130000.

Submission:

Labcorp Genetics (formerly Invitae), Labcorp
Classification: Pathogenic for Ehlers-Danlos syndrome, classic type, 1. Last evaluated: 2020-05-20. Review status: criteria provided, single submitter. Criteria: Invitae Variant Classification Sherloc (09022015). Collection method: clinical testing. Allele origin: germline.
Comment: For these reasons, this variant has been classified as Pathogenic. Loss-of-function variants in COL5A1 are known to be pathogenic (PMID: 23587214). This variant has not been reported in the literature in individuals with COL5A1-related conditions. This variant is not present in population databases (ExAC no frequency). This sequence change creates a premature translational stop signal (p.Ser1678Phefs*7) in the COL5A1 gene. It is expected to result in an absent or disrupted protein product.

Literature cited by the submitters: PubMed 23587214.

NM_000093.5(COL5A1):c.5032dup (p.Ser1678fs)

Genes: COL5A1 (collagen type V alpha 1 chain; plus strand), LOC101448202 (uncharacterized LOC101448202; minus strand). Cytogenetic location: 9q34.3.
Variant type: Duplication.
Coding change: c.5032dup on transcript NM_000093.5 (MANE Select); coding-DNA position 5032, one base duplicated (T; older notation c.5032dupT).
Protein change: p.Ser1678fs; shifts the reading frame from serine 1678.
Molecular consequence: frameshift variant.
Genome position (GRCh38, 1-based): chr9:134,825,869, T duplicated. VCF-style (leftmost placement, unchanged base first): chr9-134825868-G-GT. GRCh37 (hg19) VCF-style: chr9-137717714-G-GT.
Other names: c.5032dup, p.Ser1678fs (NM_001278074.1); short protein forms S1678fs.
Identifiers: ClinVar variation 1069635 (VCV001069635.8), dbSNP rs2132887783, ClinGen allele CA2499219773.